The following is an entry in ClinVar:

ClinVar aggregate classification (germline): Uncertain significance (1 of 4 stars; one submission).

Submission:

GeneDx
Classification: Uncertain significance. Last evaluated: 2022-12-29. Review status: criteria provided, single submitter. Criteria: GeneDx Variant Classification Process June 2021. Collection method: clinical testing. Allele origin: germline. Affected: yes.
Comment: Frameshift variant predicted to result in protein truncation as the last 182 amino acids are replaced with 36 different amino acids, although loss-of-function variants have not been reported downstream of this position in the protein; Has not been previously published as pathogenic or benign to our knowledge; Reported using an alternate transcript of the gene

NM_016592.5(GNAS):c.192_195del (p.Phe64fs)

Genes: GNAS (GNAS complex locus; plus strand), GNAS-AS1 (GNAS antisense RNA 1; minus strand). Cytogenetic location: 20q13.32.
Variant type: Deletion.
Coding change: c.192_195del on transcript NM_016592.5 (MANE Plus Clinical); coding-DNA positions 192 to 195, 4 bases deleted (CCTT; older notation c.192_195delCCTT).
Protein change: p.Phe64fs; shifts the reading frame from phenylalanine 64.
Molecular consequence: frameshift variant. On other transcripts: 5 prime UTR variant (1).
Genome position (GRCh38, 1-based): chr20:58,840,298-58,840,301, CCTT deleted; deleting any 4 consecutive bases within chr20:58,840,295-58,840,301 gives the same sequence; the c. name uses the placement nearest the transcript's 3' end. VCF-style (leftmost placement, unchanged base first): chr20-58840294-GCTTC-G. GRCh37 (hg19) VCF-style: chr20-57415349-GCTTC-G.
Other names: c.-546_-543del (NM_001410912.1); short protein forms F64fs.
Identifiers: ClinVar variation 2507307 (VCV002507307.1), dbSNP rs908942214, ClinGen allele CA316326983.
Genomic context (GRCh38, chr20:58,840,294, plus strand): 5'-GCGCCCTTGCCACCTCCAACGCCCGTGCCCAGCAGCGCGCGGCTGCCCAACAGCGCCGGA[GCTTC>G]CTTAACGCCCACCACCGCTCCGGCGCCCAGGTATTCCCTGAGTCCCCCGAATCGGAATCT-3'